The following is an entry in ClinVar:

NC_000013.10:g.(?_32936842)_32938734del

Gene: BRCA2 (BRCA2 DNA repair associated; plus strand).
Variant type: Deletion.
Identifiers: ClinVar variation 1073947 (VCV001073947.2).

ClinVar aggregate classification (germline): Pathogenic (1 of 4 stars; one submission).

Conditions:
Hereditary breast ovarian cancer syndrome. Also called: Hereditary breast and ovarian cancer syndrome (HBOC); Hereditary breast and/or ovarian cancer syndrome; Hereditary breast and ovarian cancer; BRCA1- and BRCA2-Associated Hereditary Breast and Ovarian Cancer; Hereditary breast and ovarian cancer syndrome; Breast and ovarian cancer. Identifiers: Orphanet 145, MedGen C0677776, MeSH D061325, MONDO:0003582. Disease mechanism: loss of function.

Submission:

Labcorp Genetics (formerly Invitae), Labcorp
Classification: Pathogenic for Hereditary breast ovarian cancer syndrome. Last evaluated: 2019-11-11. Review status: criteria provided, single submitter. Criteria: Invitae Variant Classification Sherloc (09022015). Collection method: clinical testing. Allele origin: germline.
Comment: This variant is an out-of-frame deletion of the genomic region encompassing exon 18 of the BRCA2 gene. This is expected to create a premature translational stop signal and result in an absent or disrupted protein product. This variant has not been reported in the literature in individuals with BRCA2-related conditions. Loss-of-function variants in BRCA2 are known to be pathogenic (PMID: 20104584). For these reasons, this variant has been classified as Pathogenic.

Literature cited by the submitters: PubMed 20104584.